The following is an entry in ClinVar:

NM_031407.7(HUWE1):c.469A>T (p.Thr157Ser)

Gene: HUWE1 (HECT, UBA and WWE domain containing E3 ubiquitin protein ligase 1; minus strand). Cytogenetic location: Xp11.22.
Variant type: single nucleotide variant.
Coding change: c.469A>T on transcript NM_031407.7 (MANE Select); coding-DNA position 469, A replaced by T.
Protein change: p.Thr157Ser; replaces threonine 157 with serine.
Molecular consequence: missense variant.
Genome position (GRCh38, 1-based): chrX:53,645,346, T>A on the plus strand (A>T on the coding strand, the complement: HUWE1 is on the minus strand). VCF-style: chrX-53645346-T-A. GRCh37 (hg19) VCF-style: chrX-53672298-T-A.
Other names: short protein forms T157S.
Identifiers: ClinVar variation 3906392 (VCV003906392.1).

ClinVar aggregate classification (germline): Uncertain significance (1 of 4 stars; one submission).

Submission:

GeneDx
Classification: Uncertain significance. Last evaluated: 2024-12-23. Review status: criteria provided, single submitter. Criteria: GeneDx Variant Classification Process June 2021. Collection method: clinical testing. Allele origin: germline. Affected: yes.
Comment: Not observed at significant frequency in large population cohorts (gnomAD); In silico analysis indicates that this missense variant does not alter protein structure/function; Has not been previously published as pathogenic or benign to our knowledge